The following is an entry in ClinVar:

NM_032043.3(BRIP1):c.884A>G (p.Asn295Ser)

Gene: BRIP1 (BRCA1 interacting DNA helicase 1; minus strand). Cytogenetic location: 17q23.2.
Variant type: single nucleotide variant.
Coding change: c.884A>G on transcript NM_032043.3 (MANE Select); coding-DNA position 884, A replaced by G.
Protein change: p.Asn295Ser; replaces asparagine 295 with serine.
Molecular consequence: missense variant.
Genome position (GRCh38, 1-based): chr17:61,808,501, T>C on the plus strand (A>G on the coding strand, the complement: BRIP1 is on the minus strand). VCF-style: chr17-61808501-T-C. GRCh37 (hg19) VCF-style: chr17-59885862-T-C.
Other names: short protein forms N295S.
Identifiers: ClinVar variation 3228146 (VCV003228146.1), dbSNP rs2145412095, ClinGen allele CA400484708.

ClinVar aggregate classification (germline): Uncertain significance (1 of 4 stars; one submission).

Conditions:
Hereditary cancer-predisposing syndrome. Also called: Neoplastic Syndromes, Hereditary; Tumor predisposition; Hereditary neoplastic syndrome; Hereditary Cancer Syndrome. Identifiers: Orphanet 140162, MedGen C0027672, MeSH D009386, MONDO:0015356.

Submission:

Ambry Genetics
Classification: Uncertain significance for Hereditary cancer-predisposing syndrome. Last evaluated: 2024-01-18. Review status: criteria provided, single submitter. Criteria: Ambry Variant Classification Scheme 2023. Collection method: clinical testing. Allele origin: germline.
Comment: The p.N295S variant (also known as c.884A>G), located in coding exon 6 of the BRIP1 gene, results from an A to G substitution at nucleotide position 884. The asparagine at codon 295 is replaced by serine, an amino acid with highly similar properties. This amino acid position is not well conserved in available vertebrate species. In addition, this alteration is predicted to be tolerated by in silico analysis. Based on the available evidence, the clinical significance of this alteration remains unclear.